The following is an entry in ClinVar:

ClinVar aggregate classification (germline): Uncertain significance (1 of 4 stars; one submission).

Conditions:
Catecholaminergic polymorphic ventricular tachycardia (CVPT). Also called: Catecholamine-induced polymorphic ventricular tachycardia. Identifiers: Orphanet 3286, MedGen C5574922, MONDO:0017990.

Allele frequency attached by ClinVar (database versions not stated): TOPMed 0.00001.

Submission:

All of Us Research Program, National Institutes of Health
Classification: Uncertain significance for Catecholaminergic polymorphic ventricular tachycardia. Last evaluated: 2024-05-14. Review status: criteria provided, single submitter. Criteria: ACMG Guidelines, 2015. Collection method: clinical testing. Allele origin: germline. Inheritance: Autosomal dominant inheritance. Observed: 2 variant alleles, 2 heterozygotes.
Comment: This variant causes an A to G nucleotide substitution at the +5 position of intron 41 of the RYR2 gene. To our knowledge, functional studies have not been reported for this variant. This variant has not been reported in individuals affected with RYR2-related disorders in the literature. This variant has not been identified in the general population by the Genome Aggregation Database (gnomAD). The available evidence is insufficient to determine the role of this variant in disease conclusively. Therefore, this variant is classified as a Variant of Uncertain Significance.

This study involves interpretation of variants in research participants for the purpose of population health screening. Participant phenotype was not available at the time of variant classification. Additional details can be found in publication PMID: 35346344, PMCID: PMC8962531

NM_001035.3(RYR2):c.6440+5A>G

Gene: RYR2 (ryanodine receptor 2; plus strand). Cytogenetic location: 1q43.
Variant type: single nucleotide variant.
Coding change: c.6440+5A>G on transcript NM_001035.3 (MANE Select); 5 bases into the intron after coding-DNA position 6440, A replaced by G.
Molecular consequence: intron variant.
Genome position (GRCh38, 1-based): chr1:237,628,085, A>G. VCF-style: chr1-237628085-A-G. GRCh37 (hg19) VCF-style: chr1-237791385-A-G.
Identifiers: ClinVar variation 3072716 (VCV003072716.2), dbSNP rs1679865888, ClinGen allele CA423821970.
Genomic context (GRCh38, chr1:237,628,085, plus strand): 5'-CTGCTGAGTGTGAGAATGGGCAAAGAAGAAGAGAAGCTCATGATTCGTGGATTAGGGTAA[A>G]TTATTTAACTACTACAACCCTTTGTCTCGTAAATGTTTTCTAATTGTTATACCTATAGAG-3'